The following is an entry in ClinVar:

ClinVar aggregate classification (germline): Likely pathogenic. Review status: criteria provided, single submitter (1 of 4 stars). 2 submissions from 2 submitters: Likely pathogenic (1). 1 of the submissions does not count toward it. Last evaluated 2023-08-16.

Conditions:
Familial dysautonomia. Also called: HSAN III; FD. Identifiers: Orphanet 1764, MedGen C0013364, MONDO:0009131, OMIM 223900. Disease mechanism: loss of function.

Allele frequency attached by ClinVar (database versions not stated): ExAC 0.00001; gnomAD exomes 0.00001.
gnomAD v4.1: 1 of 1,612,076 alleles (0.000062%); highest among the groups gnomAD compares: Admixed American, 0.0017%; no homozygotes.

Submissions (2):

Labcorp Genetics (formerly Invitae), Labcorp
Classification: Likely pathogenic. Last evaluated: 2023-08-16. Review status: criteria provided, single submitter. Criteria: Invitae Variant Classification Sherloc (09022015). Collection method: clinical testing. Allele origin: germline.
Comment: This variant has not been reported in the literature in individuals affected with ELP1-related conditions. ClinVar contains an entry for this variant (Variation ID: 557099). Algorithms developed to predict the effect of sequence changes on RNA splicing suggest that this variant may disrupt the consensus splice site. In summary, the currently available evidence indicates that the variant is pathogenic, but additional data are needed to prove that conclusively. Therefore, this variant has been classified as Likely Pathogenic. This variant is present in population databases (rs765572951, gnomAD 0.003%). This sequence change affects a donor splice site in intron 6 of the ELP1 gene. It is expected to disrupt RNA splicing. Variants that disrupt the donor or acceptor splice site typically lead to a loss of protein function (PMID: 16199547), and loss-of-function variants in ELP1 are known to be pathogenic (PMID: 18303054, 24173031).

Counsyl
Classification: Likely pathogenic for Familial dysautonomia. Last evaluated: 2018-03-08. Review status: no assertion criteria provided. Collection method: clinical testing. Allele origin: unknown. Not counted in ClinVar's aggregate classification.

Literature cited by the submitters: PubMed 16199547 (cited by Labcorp Genetics (formerly Invitae), Labcorp); PubMed 18303054 (cited by Labcorp Genetics (formerly Invitae), Labcorp); PubMed 24173031 (cited by Labcorp Genetics (formerly Invitae), Labcorp).

NM_003640.5(ELP1):c.552+1G>T

Gene: ELP1 (elongator acetyltransferase complex subunit 1; minus strand). Cytogenetic location: 9q31.3.
Variant type: single nucleotide variant.
Coding change: c.552+1G>T on transcript NM_003640.5 (MANE Select); the canonical splice donor site of the intron after coding-DNA position 552, G replaced by T.
Molecular consequence: splice donor variant.
Genome position (GRCh38, 1-based): chr9:108,922,841, C>A on the plus strand (G>T on the coding strand, the complement: ELP1 is on the minus strand). VCF-style: chr9-108922841-C-A. GRCh37 (hg19) VCF-style: chr9-111685121-C-A.
Other names: c.210+1G>T (NM_001318360.2); c.-308+1G>T (NM_001330749.2).
Identifiers: ClinVar variation 557099 (VCV000557099.5), dbSNP rs765572951, ClinGen allele CA5175328.